The following is an entry in ClinVar:

NM_000712.4(BLVRA):c.157G>T (p.Gly53Ter)

Gene: BLVRA (biliverdin reductase A; plus strand). Cytogenetic location: 7p13.
Variant type: single nucleotide variant.
Coding change: c.157G>T on transcript NM_000712.4 (MANE Select); coding-DNA position 157, G replaced by T.
Protein change: p.Gly53Ter; replaces glycine 53 with a stop codon.
Molecular consequence: nonsense.
Genome position (GRCh38, 1-based): chr7:43,791,271, G>T. VCF-style: chr7-43791271-G-T. GRCh37 (hg19) VCF-style: chr7-43830870-G-T.
Other names: c.157G>T, p.Gly53Ter (NM_001253823.2); short protein forms G53*.
Identifiers: ClinVar variation 1029936 (VCV001029936.1), dbSNP rs747902950, ClinGen allele CA367337421.

ClinVar aggregate classification (germline): Likely pathogenic (1 of 4 stars; one submission).

Conditions:
Hyperbiliverdinemia (HBLVD). Also called: GREEN JAUNDICE. Identifiers: Orphanet 276405, MedGen C3279964, MONDO:0013595, OMIM 614156.

Submission:

Baylor Genetics
Classification: Likely pathogenic for Hyperbiliverdinemia. Last evaluated: 2019-12-26. Review status: criteria provided, single submitter. Criteria: ACMG Guidelines, 2015. Collection method: clinical testing. Allele origin: unknown. Affected: yes.
Comment: This variant was determined to be likely pathogenic according to ACMG Guidelines, 2015 [PMID:25741868].